The following is an entry in ClinVar:

ClinVar aggregate classification (germline): Conflicting classifications of pathogenicity. Review status: criteria provided, conflicting classifications (1 of 4 stars). 4 submissions from 4 submitters: Uncertain significance (3); Likely benign (1). Last evaluated 2024-10-14.

Conditions:
SPAG1-related disorder. Also called: SPAG1-related condition.
Inborn genetic diseases. Identifiers: MedGen C0950123, MeSH D030342.
Primary ciliary dyskinesia 28. Also called: CILIARY DYSKINESIA, PRIMARY, 28, WITH OR WITHOUT SITUS INVERSUS. Identifiers: Orphanet 244, MedGen C3809706, MONDO:0014216, OMIM 615505.

Allele frequency attached by ClinVar (database versions not stated): gnomAD exomes 0.00001; TOPMed below 0.00001.

Submissions (4):

PreventionGenetics, part of Exact Sciences
Classification: Likely benign for SPAG1-related condition. Last evaluated: 2024-10-14. Review status: criteria provided, single submitter. Criteria: ACMG Guidelines, 2015. Collection method: clinical testing. Allele origin: germline.
Comment: This variant is classified as likely benign based on ACMG/AMP sequence variant interpretation guidelines (Richards et al. 2015 PMID: 25741868, with internal and published modifications).

Fulgent Genetics
Classification: Uncertain significance for Primary ciliary dyskinesia 28. Last evaluated: 2022-01-04. Review status: criteria provided, single submitter. Criteria: ACMG Guidelines, 2015. Collection method: clinical testing. Allele origin: unknown.

Ambry Genetics
Classification: Uncertain significance for Inborn genetic diseases. Last evaluated: 2021-09-16. Review status: criteria provided, single submitter. Criteria: Ambry General Variant Classification Scheme_2022. Collection method: clinical testing. Allele origin: germline. Observed: 1 variant allele.

Labcorp Genetics (formerly Invitae), Labcorp
Classification: Uncertain significance for Primary ciliary dyskinesia 28. Last evaluated: 2021-08-30. Review status: criteria provided, single submitter. Criteria: Invitae Variant Classification Sherloc (09022015). Collection method: clinical testing. Allele origin: germline.
Comment: This sequence change replaces glycine with aspartic acid at codon 141 of the SPAG1 protein (p.Gly141Asp). The glycine residue is weakly conserved and there is a moderate physicochemical difference between glycine and aspartic acid. This variant is not present in population databases (ExAC no frequency). This variant has not been reported in the literature in individuals affected with SPAG1-related conditions. Algorithms developed to predict the effect of missense changes on protein structure and function output the following: SIFT: "Tolerated"; PolyPhen-2: "Benign"; Align-GVGD: "Class C0". The aspartic acid amino acid residue is found in multiple mammalian species, which suggests that this missense change does not adversely affect protein function. In summary, the available evidence is currently insufficient to determine the role of this variant in disease. Therefore, it has been classified as a Variant of Uncertain Significance.

NM_003114.5(SPAG1):c.422G>A (p.Gly141Asp)

Gene: SPAG1 (sperm associated antigen 1; plus strand). Cytogenetic location: 8q22.2.
Variant type: single nucleotide variant.
Coding change: c.422G>A on transcript NM_003114.5 (MANE Select); coding-DNA position 422, G replaced by A.
Protein change: p.Gly141Asp; replaces glycine 141 with aspartic acid.
Molecular consequence: missense variant.
Genome position (GRCh38, 1-based): chr8:100,177,937, G>A. VCF-style: chr8-100177937-G-A. GRCh37 (hg19) VCF-style: chr8-101190165-G-A.
Other names: c.422G>A, p.Gly141Asp (NM_001374321.1, NM_172218.3); c.422G>A (NM_003114.4); short protein forms G141D.
Identifiers: ClinVar variation 582407 (VCV000582407.11), dbSNP rs1345807674, ClinGen allele CA371800893.